The following is an entry in ClinVar:

ClinVar aggregate classification (germline): Uncertain significance. Review status: criteria provided, multiple submitters, no conflicts (2 of 4 stars). 2 submissions from 2 submitters: Uncertain significance (2). Last evaluated 2024-09-05.

Conditions:
Catecholaminergic polymorphic ventricular tachycardia 1. Also called: VENTRICULAR TACHYCARDIA, STRESS-INDUCED POLYMORPHIC 1; VENTRICULAR TACHYCARDIA, CATECHOLAMINERGIC POLYMORPHIC, 1, WITH OR WITHOUT ATRIAL DYSFUNCTION AND/OR DILATED CARDIOMYOPATHY; RYR2-Related Catecholaminergic Polymorphic Ventricular Tachycardia. Identifiers: Orphanet 3286, MedGen C1631597, MONDO:0011484, OMIM 604772.

Submissions (2):

GeneDx
Classification: Uncertain significance. Last evaluated: 2024-09-05. Review status: criteria provided, single submitter. Criteria: GeneDx Variant Classification Process June 2021. Collection method: clinical testing. Allele origin: germline. Affected: yes.
Comment: Not observed at significant frequency in large population cohorts (gnomAD); In silico analysis supports that this missense variant has a deleterious effect on protein structure/function; Not located in one of the three hot-spot regions of the RYR2 gene, where the majority of pathogenic missense variants occur (PMID: 19926015); Has not been previously published as pathogenic or benign to our knowledge; This variant is associated with the following publications: (PMID: 19926015)

Labcorp Genetics (formerly Invitae), Labcorp
Classification: Uncertain significance for Catecholaminergic polymorphic ventricular tachycardia 1. Last evaluated: 2024-06-12. Review status: criteria provided, single submitter. Criteria: Invitae Variant Classification Sherloc (09022015). Collection method: clinical testing. Allele origin: germline.
Comment: This sequence change replaces leucine, which is neutral and non-polar, with arginine, which is basic and polar, at codon 827 of the RYR2 protein (p.Leu827Arg). This variant is not present in population databases (gnomAD no frequency). This variant has not been reported in the literature in individuals affected with RYR2-related conditions. Advanced modeling of protein sequence and biophysical properties (such as structural, functional, and spatial information, amino acid conservation, physicochemical variation, residue mobility, and thermodynamic stability) performed at Invitae indicates that this missense variant is expected to disrupt RYR2 protein function with a positive predictive value of 95%. In summary, the available evidence is currently insufficient to determine the role of this variant in disease. Therefore, it has been classified as a Variant of Uncertain Significance.

NM_001035.3(RYR2):c.2480T>G (p.Leu827Arg)

Gene: RYR2 (ryanodine receptor 2; plus strand). Cytogenetic location: 1q43.
Variant type: single nucleotide variant.
Coding change: c.2480T>G on transcript NM_001035.3 (MANE Select); coding-DNA position 2480, T replaced by G.
Protein change: p.Leu827Arg; replaces leucine 827 with arginine.
Molecular consequence: missense variant.
Genome position (GRCh38, 1-based): chr1:237,503,372, T>G. VCF-style: chr1-237503372-T-G. GRCh37 (hg19) VCF-style: chr1-237666672-T-G.
Other names: c.2480T>G (NM_001035.2); short protein forms L827R.
Identifiers: ClinVar variation 3716652 (VCV003716652.3).
Genomic context (GRCh38, chr1:237,503,372, plus strand): 5'-GACATGGAGAATTCAAATTTCTTCCTCCACCTGGGTATGCTCCTTGTTATGAAGCTGTTC[T>G]GCCAAAAGAAAAGTTGAAAGTGGAACACAGCCGAGAGTACAAGCAAGAAAGAACTTACAC-3'
Protein context (NP_001026.2, residues 817-837): PGYAPCYEAV[Leu827Arg]PKEKLKVEHS